The following is an entry in ClinVar:

NM_000113.3(TOR1A):c.365G>A (p.Gly122Asp)

Gene: TOR1A (torsin family 1 member A; minus strand). Cytogenetic location: 9q34.11.
Variant type: single nucleotide variant.
Coding change: c.365G>A on transcript NM_000113.3 (MANE Select); coding-DNA position 365, G replaced by A.
Protein change: p.Gly122Asp; replaces glycine 122 with aspartic acid.
Molecular consequence: missense variant.
Genome position (GRCh38, 1-based): chr9:129,822,660, C>T on the plus strand (G>A on the coding strand, the complement: TOR1A is on the minus strand). VCF-style: chr9-129822660-C-T. GRCh37 (hg19) VCF-style: chr9-132584939-C-T.
Other names: short protein forms G122D.
Identifiers: ClinVar variation 3716624 (VCV003716624.2).

ClinVar aggregate classification (germline): Uncertain significance (1 of 4 stars; one submission).

Conditions:
Dystonic disorder. Also called: Dystonia. Identifiers: MedGen C0013421, MONDO:0003441, HP:0001332.

gnomAD v4.1: 15 of 1,614,096 alleles (0.00093%); highest among the groups gnomAD compares: Non-Finnish European, 0.0013%; no homozygotes.

Submission:

Labcorp Genetics (formerly Invitae), Labcorp
Classification: Uncertain significance for Dystonic disorder. Last evaluated: 2026-01-06. Review status: criteria provided, single submitter. Criteria: Invitae Variant Classification Sherloc (09022015). Collection method: clinical testing. Allele origin: germline.
Comment: This sequence change replaces glycine, which is neutral and non-polar, with aspartic acid, which is acidic and polar, at codon 122 of the TOR1A protein (p.Gly122Asp). This variant is not present in population databases (gnomAD no frequency). This variant has not been reported in the literature in individuals affected with TOR1A-related conditions. ClinVar contains an entry for this variant (Variation ID: 3716624). Invitae Evidence Modeling of protein sequence and biophysical properties (such as structural, functional, and spatial information, amino acid conservation, physicochemical variation, residue mobility, and thermodynamic stability) indicates that this missense variant is not expected to disrupt TOR1A protein function with a negative predictive value of 80%. In summary, the available evidence is currently insufficient to determine the role of this variant in disease. Therefore, it has been classified as a Variant of Uncertain Significance.